The following is an entry in ClinVar:

ClinVar aggregate classification (germline): Uncertain significance (1 of 4 stars; one submission).

Conditions:
Progressive external ophthalmoplegia with mitochondrial DNA deletions, autosomal recessive 5. Also called: PROGRESSIVE EXTERNAL OPHTHALMOPLEGIA, AUTOSOMAL RECESSIVE 5. Identifiers: MedGen C4748184, MONDO:0020845, OMIM 618098.

Allele frequency attached by ClinVar (database versions not stated): gnomAD exomes below 0.00001.
gnomAD v4.1: 1 of 1,548,724 alleles (0.000065%); highest among the groups gnomAD compares: Non-Finnish European, 0.000088%; no homozygotes.

Submission:

Baylor Genetics
Classification: Uncertain significance for Progressive external ophthalmoplegia with mitochondrial DNA deletions, autosomal recessive 5. Last evaluated: 2020-02-24. Review status: criteria provided, single submitter. Criteria: ACMG Guidelines, 2015. Collection method: clinical testing. Allele origin: unknown. Affected: yes.
Comment: This variant was determined to be of uncertain significance according to ACMG Guidelines, 2015 [PMID:25741868].

NM_004618.5(TOP3A):c.241-13T>G

Gene: TOP3A (DNA topoisomerase III alpha; minus strand). Cytogenetic location: 17p11.2.
Variant type: single nucleotide variant.
Coding change: c.241-13T>G on transcript NM_004618.5 (MANE Select); 13 bases into the intron before coding-DNA position 241, T replaced by G.
Molecular consequence: intron variant.
Genome position (GRCh38, 1-based): chr17:18,308,437, A>C on the plus strand (T>G on the coding strand, the complement: TOP3A is on the minus strand). VCF-style: chr17-18308437-A-C. GRCh37 (hg19) VCF-style: chr17-18211751-A-C.
Other names: c.29+445T>G (NM_001320759.2).
Identifiers: ClinVar variation 1028284 (VCV001028284.1), dbSNP rs1981719689, ClinGen allele CA2250942320.